The following is an entry in ClinVar:

NM_014874.4(MFN2):c.1284G>T (p.Arg428Ser)

Gene: MFN2 (mitofusin 2; plus strand). Cytogenetic location: 1p36.22.
Variant type: single nucleotide variant.
Coding change: c.1284G>T on transcript NM_014874.4 (MANE Select); coding-DNA position 1284, G replaced by T.
Protein change: p.Arg428Ser; replaces arginine 428 with serine.
Molecular consequence: missense variant.
Genome position (GRCh38, 1-based): chr1:12,004,115, G>T. VCF-style: chr1-12004115-G-T. GRCh37 (hg19) VCF-style: chr1-12064172-G-T.
Other names: c.1284G>T, p.Arg428Ser (NM_001127660.2); c.1284G>T (NM_014874.3); short protein forms R428S.
Identifiers: ClinVar variation 1443394 (VCV001443394.6), dbSNP rs2100847602, ClinGen allele CA338445586.

ClinVar aggregate classification (germline): Uncertain significance. Review status: criteria provided, multiple submitters, no conflicts (2 of 4 stars). 2 submissions from 2 submitters: Uncertain significance (2). Last evaluated 2024-08-13.

Conditions:
Charcot-Marie-Tooth disease type 2. Also called: Charcot-Marie-Tooth type 2. Identifiers: Orphanet 64746, MedGen C0270914, MONDO:0018993.

Submissions (2):

GeneDx
Classification: Uncertain significance. Last evaluated: 2024-08-13. Review status: criteria provided, single submitter. Criteria: GeneDx Variant Classification Process June 2021. Collection method: clinical testing. Allele origin: germline. Affected: yes.
Comment: Not observed at significant frequency in large population cohorts (gnomAD); In silico analysis indicates that this missense variant does not alter protein structure/function; Has not been previously published as pathogenic or benign to our knowledge

Labcorp Genetics (formerly Invitae), Labcorp
Classification: Uncertain significance for Charcot-Marie-Tooth disease type 2. Last evaluated: 2021-08-27. Review status: criteria provided, single submitter. Criteria: Invitae Variant Classification Sherloc (09022015). Collection method: clinical testing. Allele origin: germline.
Comment: This sequence change replaces arginine with serine at codon 428 of the MFN2 protein (p.Arg428Ser). The arginine residue is highly conserved and there is a moderate physicochemical difference between arginine and serine. In summary, the available evidence is currently insufficient to determine the role of this variant in disease. Therefore, it has been classified as a Variant of Uncertain Significance. Advanced modeling of protein sequence and biophysical properties (such as structural, functional, and spatial information, amino acid conservation, physicochemical variation, residue mobility, and thermodynamic stability) performed at Invitae indicates that this missense variant is not expected to disrupt MFN2 protein function. This variant has not been reported in the literature in individuals affected with MFN2-related conditions. This variant is not present in population databases (ExAC no frequency).